The following is an entry in ClinVar:

NM_058179.4(PSAT1):c.976G>T (p.Glu326Ter)

Gene: PSAT1 (phosphoserine aminotransferase 1; plus strand). Cytogenetic location: 9q21.2.
Variant type: single nucleotide variant.
Coding change: c.976G>T on transcript NM_058179.4 (MANE Select); coding-DNA position 976, G replaced by T.
Protein change: p.Glu326Ter; replaces glutamic acid 326 with a stop codon.
Molecular consequence: nonsense. On other transcripts: intron variant (1).
Genome position (GRCh38, 1-based): chr9:78,328,157, G>T. VCF-style: chr9-78328157-G-T. GRCh37 (hg19) VCF-style: chr9-80943073-G-T.
Other names: c.870-824G>T (NM_021154.5); short protein forms E326*.
Identifiers: ClinVar variation 1467660 (VCV001467660.6), dbSNP rs199998249, ClinGen allele CA5095772.

ClinVar aggregate classification (germline): Likely pathogenic (1 of 4 stars; one submission).

Conditions:
Neu-Laxova syndrome 2. Identifiers: Orphanet 2671, Orphanet 583602, MedGen C4015019, MONDO:0014466, OMIM 616038.

Allele frequency attached by ClinVar (database versions not stated): gnomAD exomes below 0.00001 and 0.00001; TOPMed below 0.00001; ExAC 0.00001; gnomAD 0.00001; 1000 Genomes Project 0.00020; 1000 Genomes Project 30x 0.00031.
gnomAD v4.1: 3 of 1,613,802 alleles (0.00019%); highest among the groups gnomAD compares: Admixed American, 0.0033%; no homozygotes.

Submission:

Labcorp Genetics (formerly Invitae), Labcorp
Classification: Likely pathogenic for Neu-Laxova syndrome 2. Last evaluated: 2024-12-02. Review status: criteria provided, single submitter. Criteria: Invitae Variant Classification Sherloc (09022015). Collection method: clinical testing. Allele origin: germline.
Comment: This sequence change creates a premature translational stop signal (p.Glu326*) in the PSAT1 gene. While this is not anticipated to result in nonsense mediated decay, it is expected to disrupt the last 45 amino acid(s) of the PSAT1 protein. This variant is present in population databases (rs199998249, gnomAD 0.003%). This variant has not been reported in the literature in individuals affected with PSAT1-related conditions. ClinVar contains an entry for this variant (Variation ID: 1467660). Algorithms developed to predict the effect of sequence changes on RNA splicing suggest that this variant may disrupt the consensus splice site. This variant disrupts the C-terminus of the PSAT1 protein. Other variant(s) that disrupt this region (p.Arg342Aspfs*6) have been observed in individuals with PSAT1-related conditions (PMID: 25152457). This suggests that this may be a clinically significant region of the protein. In summary, the currently available evidence indicates that the variant is pathogenic, but additional data are needed to prove that conclusively. Therefore, this variant has been classified as Likely Pathogenic.

Literature cited by the submitters: PubMed 25152457.